The following is an entry in ClinVar:

ClinVar aggregate classification (germline): Pathogenic (1 of 4 stars; one submission).

Submission:

Labcorp Genetics (formerly Invitae), Labcorp
Classification: Pathogenic. Last evaluated: 2024-09-27. Review status: criteria provided, single submitter. Criteria: Invitae Variant Classification Sherloc (09022015). Collection method: clinical testing. Allele origin: germline.
Comment: This sequence change creates a premature translational stop signal (p.Gly68Alafs*2) in the SAR1B gene. It is expected to result in an absent or disrupted protein product. Loss-of-function variants in SAR1B are known to be pathogenic (PMID: 12692552, 17945526). This variant is not present in population databases (gnomAD no frequency). This variant has not been reported in the literature in individuals affected with SAR1B-related conditions. For these reasons, this variant has been classified as Pathogenic.

Literature cited by the submitters: PubMed 12692552; PubMed 17945526.

NM_016103.4(SAR1B):c.203del (p.Gly68fs)

Gene: SAR1B (secretion associated Ras related GTPase 1B; minus strand). Cytogenetic location: 5q31.1.
Variant type: Deletion.
Coding change: c.203del on transcript NM_016103.4 (MANE Select); coding-DNA position 203, one base deleted (G; older notation c.203delG).
Protein change: p.Gly68fs; shifts the reading frame from glycine 68.
Molecular consequence: frameshift variant.
Genome position (GRCh38, 1-based): chr5:134,612,732, C deleted on the plus strand (G on the coding strand, the reverse complement: SAR1B is on the minus strand); the first of 2 consecutive C bases (chr5:134,612,732-134,612,733); deleting either gives the same sequence. VCF-style (leftmost placement, unchanged base first): chr5-134612731-GC-G. GRCh37 (hg19) VCF-style: chr5-133948421-GC-G.
Other names: c.203del, p.Gly68fs (NM_001033503.3); short protein forms G68fs.
Identifiers: ClinVar variation 3721594 (VCV003721594.2).